The following is an entry in ClinVar:

NM_001170629.2(CHD8):c.7291G>A (p.Ala2431Thr)

Gene: CHD8 (chromodomain helicase DNA binding protein 8; minus strand). Cytogenetic location: 14q11.2.
Variant type: single nucleotide variant.
Coding change: c.7291G>A on transcript NM_001170629.2 (MANE Select); coding-DNA position 7291, G replaced by A.
Protein change: p.Ala2431Thr; replaces alanine 2431 with threonine.
Molecular consequence: missense variant.
Genome position (GRCh38, 1-based): chr14:21,386,068, C>T on the plus strand (G>A on the coding strand, the complement: CHD8 is on the minus strand). VCF-style: chr14-21386068-C-T. GRCh37 (hg19) VCF-style: chr14-21854227-C-T.
Other names: c.6454G>A, p.Ala2152Thr (NM_020920.4); short protein forms A2152T, A2431T.
Identifiers: ClinVar variation 2578710 (VCV002578710.25), dbSNP rs1337456180, ClinGen allele CA388875485.
Genomic context (GRCh38, chr14:21,386,068, plus strand): 5'-TGCTGTGTTGGAACGTGTTATGCAGAGATAGAGACCCAGTGCTTCCACCCTGCATGAGGG[C>T]CATCATCTTAGAAAGGTCTGGTCGCATCCTACGGGCCCGCTTCTTGCTGCTCTCTGGTGC-3'
Protein context (NP_001164100.1, residues 2421-2441): RMRPDLSKMM[Ala2431Thr]LMQGGSTGSL

ClinVar aggregate classification (germline): Uncertain significance (1 of 4 stars; one submission).

Submission:

CeGaT Center for Human Genetics Tuebingen
Classification: Uncertain significance. Last evaluated: 2023-07-01. Review status: criteria provided, single submitter. Criteria: CeGaT Center For Human Genetics Tuebingen Variant Classification Criteria Version 2. Collection method: clinical testing. Allele origin: germline. Affected: yes. Observed: 1 variant allele.
Comment: CHD8: PM2